The following is an entry in ClinVar:

NM_003982.4(SLC7A7):c.242T>C (p.Leu81Pro)

Gene: SLC7A7 (solute carrier family 7 member 7; minus strand). Cytogenetic location: 14q11.2.
Variant type: single nucleotide variant.
Coding change: c.242T>C on transcript NM_003982.4 (MANE Select); coding-DNA position 242, T replaced by C.
Protein change: p.Leu81Pro; replaces leucine 81 with proline.
Molecular consequence: missense variant.
Genome position (GRCh38, 1-based): chr14:22,813,157, A>G on the plus strand (T>C on the coding strand, the complement: SLC7A7 is on the minus strand). VCF-style: chr14-22813157-A-G. GRCh37 (hg19) VCF-style: chr14-23282366-A-G.
Other names: c.242T>C, p.Leu81Pro (NM_001126105.3, NM_001126106.4); short protein forms L81P.
Identifiers: ClinVar variation 1303290 (VCV001303290.3), dbSNP rs755890052, ClinGen allele CA7104743.

ClinVar aggregate classification (germline): Uncertain significance. Review status: criteria provided, multiple submitters, no conflicts (2 of 4 stars). 2 submissions from 2 submitters: Uncertain significance (2). Last evaluated 2022-02-03.

Conditions:
Lysinuric protein intolerance (LPI). Identifiers: Orphanet 470, MedGen C0268647, MONDO:0009109, OMIM 222700.

Allele frequency attached by ClinVar (database versions not stated): TOPMed below 0.00001; ExAC 0.00001; gnomAD 0.00001; gnomAD exomes 0.00001 and 0.00002.
gnomAD v4.1: 9 of 1,614,060 alleles (0.00056%); highest among the groups gnomAD compares: Non-Finnish European, 0.00068%; no homozygotes.

Submissions (2):

Fulgent Genetics
Classification: Uncertain significance for Lysinuric protein intolerance. Last evaluated: 2022-02-03. Review status: criteria provided, single submitter. Criteria: ACMG Guidelines, 2015. Collection method: clinical testing. Allele origin: unknown.

GeneDx
Classification: Uncertain significance. Last evaluated: 2019-10-07. Review status: criteria provided, single submitter. Criteria: GeneDx Variant Classification Process June 2021. Collection method: clinical testing. Allele origin: germline. Affected: yes.
Comment: Not observed at a significant frequency in large population cohorts (Lek et al., 2016); In silico analysis, which includes protein predictors and evolutionary conservation, supports a deleterious effect; This variant is associated with the following publications: (PMID: 30054302)